The following is an entry in ClinVar:

ClinVar aggregate classification (germline): Likely benign (0 of 4 stars; one submission).

Conditions:
SEMA3C-related disorder. Also called: SEMA3C-related condition.

gnomAD v4.1: 23 of 1,598,640 alleles (0.0014%); highest among the groups gnomAD compares: African/African-American, 0.025%; no homozygotes.

Submission:

PreventionGenetics, part of Exact Sciences
Classification: Likely benign for SEMA3C-related condition. Last evaluated: 2022-02-07. Review status: no assertion criteria provided. Collection method: clinical testing. Allele origin: germline.
Comment: This variant is classified as likely benign based on ACMG/AMP sequence variant interpretation guidelines (Richards et al. 2015 PMID: 25741868, with internal and published modifications).

NM_006379.5(SEMA3C):c.264+8T>C

Gene: SEMA3C (semaphorin 3C; minus strand). Cytogenetic location: 7q21.11.
Variant type: single nucleotide variant.
Coding change: c.264+8T>C on transcript NM_006379.5 (MANE Select); 8 bases into the intron after coding-DNA position 264, T replaced by C.
Molecular consequence: intron variant.
Genome position (GRCh38, 1-based): chr7:80,828,577, A>G on the plus strand (T>C on the coding strand, the complement: SEMA3C is on the minus strand). VCF-style: chr7-80828577-A-G. GRCh37 (hg19) VCF-style: chr7-80457893-A-G.
Other names: c.318+8T>C (NM_001350120.2); c.90+8T>C (NM_001350121.2).
Identifiers: ClinVar variation 3350685 (VCV003350685.1).